The following is an entry in ClinVar:

ClinVar aggregate classification (germline): Conflicting classifications of pathogenicity. Review status: criteria provided, conflicting classifications (1 of 4 stars). 4 submissions from 4 submitters: Uncertain significance (3); Likely benign (1). Last evaluated 2026-05-19.

Conditions:
Hereditary cancer-predisposing syndrome. Also called: Tumor predisposition; Hereditary neoplastic syndrome; Neoplastic Syndromes, Hereditary; Hereditary Cancer Syndrome. Identifiers: Orphanet 140162, MedGen C0027672, MeSH D009386, MONDO:0015356.
Cardiovascular phenotype. Identifiers: MedGen CN230736.
Neurofibromatosis, type 1 (NF1). Also called: Neurofibromatosis, type I; VON RECKLINGHAUSEN DISEASE; NEUROFIBROMATOSIS, TYPE I, SOMATIC; Peripheral type neurofibromatosis. Identifiers: Orphanet 636, MedGen C0027831, MONDO:0018975, OMIM 162200. Disease mechanism: loss of function.
Juvenile myelomonocytic leukemia (JMML). Also called: LEUKEMIA, JUVENILE MYELOMONOCYTIC, SOMATIC. Identifiers: Orphanet 86834, MedGen C0349639, MONDO:0011908, OMIM 607785, HP:0012209.
Neurofibromatosis, familial spinal (FSNF). Identifiers: Orphanet 636, MedGen C1834235, MONDO:0008078, OMIM 162210. Disease mechanism: loss of function.
Neurofibromatosis-Noonan syndrome (NFNS). Also called: NEUROFIBROMATOSIS WITH NOONAN PHENOTYPE. Identifiers: Orphanet 638, MedGen C2931482, MONDO:0011035, OMIM 601321. Disease mechanism: loss of function.
Café-au-lait macules with pulmonary stenosis (WTSN). Also called: PULMONIC STENOSIS WITH CAFE-AU-LAIT SPOTS. Identifiers: MedGen C0553586, MONDO:0008672, OMIM 193520.

gnomAD v4.1: 1 of 1,613,958 alleles (0.000062%); no homozygotes.

Submissions (4):

Ambry Genetics
Classification: Uncertain significance for Cardiovascular phenotype; Hereditary cancer-predisposing syndrome. Last evaluated: 2026-05-19. Review status: criteria provided, single submitter. Criteria: Ambry Variant Classification Scheme 2023. Collection method: clinical testing. Allele origin: germline.
Comment: The p.K2435N variant (also known as c.7305A>C), located in coding exon 49 of the NF1 gene, results from an A to C substitution at nucleotide position 7305. The lysine at codon 2435 is replaced by asparagine, an amino acid with similar properties. This amino acid position is highly conserved in available vertebrate species. In addition, this alteration is predicted to be tolerated by in silico analysis. This variant has been reclassified from a variant of unknown significance to likely benign based on updated recommendations for interpretation of in silico models (Pejaver V et al. Am J Hum Genet. 2022 Dec 1;109(12):2163-2177).

Labcorp Genetics (formerly Invitae), Labcorp
Classification: Likely benign for Neurofibromatosis, type 1. Last evaluated: 2025-10-18. Review status: criteria provided, single submitter. Criteria: Invitae Variant Classification Sherloc (09022015). Collection method: clinical testing. Allele origin: germline.

Genome-Nilou Lab
Classification: Uncertain significance for Neurofibromatosis, type 1. Last evaluated: 2022-03-15. Review status: criteria provided, single submitter. Criteria: ACMG Guidelines, 2015. Collection method: clinical testing. Allele origin: germline. Affected: no.

Fulgent Genetics
Classification: Uncertain significance for Neurofibromatosis, type 1; Neurofibromatosis, familial spinal; Café-au-lait macules with pulmonary stenosis; Neurofibromatosis-Noonan syndrome; Juvenile myelomonocytic leukemia. Last evaluated: 2021-11-11. Review status: criteria provided, single submitter. Criteria: ACMG Guidelines, 2015. Collection method: clinical testing. Allele origin: unknown.

NM_001042492.3(NF1):c.7368A>C (p.Lys2456Asn)

Gene: NF1 (neurofibromin 1; plus strand). Cytogenetic location: 17q11.2.
Variant type: single nucleotide variant.
Coding change: c.7368A>C on transcript NM_001042492.3 (MANE Select); coding-DNA position 7368, A replaced by C.
Protein change: p.Lys2456Asn; replaces lysine 2456 with asparagine.
Molecular consequence: missense variant.
Genome position (GRCh38, 1-based): chr17:31,350,229, A>C. VCF-style: chr17-31350229-A-C. GRCh37 (hg19) VCF-style: chr17-29677247-A-C.
Other names: c.7305A>C, p.Lys2435Asn (NM_000267.4); short protein forms K2435N, K2456N.
Identifiers: ClinVar variation 480199 (VCV000480199.15), dbSNP rs201287021, ClinGen allele CA399017040.